The following is an entry in ClinVar:

NM_206933.4(USH2A):c.5038A>T (p.Lys1680Ter)

Genes: USH2A (usherin; minus strand), USH2A-AS2 (USH2A antisense RNA 2; plus strand). Cytogenetic location: 1q41.
Variant type: single nucleotide variant.
Coding change: c.5038A>T on transcript NM_206933.4 (MANE Select); coding-DNA position 5038, A replaced by T.
Protein change: p.Lys1680Ter; replaces lysine 1680 with a stop codon.
Molecular consequence: nonsense.
Genome position (GRCh38, 1-based): chr1:216,084,827, T>A on the plus strand (A>T on the coding strand, the complement: USH2A is on the minus strand). VCF-style: chr1-216084827-T-A. GRCh37 (hg19) VCF-style: chr1-216258169-T-A.
Other names: short protein forms K1680*.
Identifiers: ClinVar variation 967291 (VCV000967291.7), dbSNP rs2032074764, ClinGen allele CA344859252.

ClinVar aggregate classification (germline): Pathogenic (1 of 4 stars; one submission).

Submission:

Labcorp Genetics (formerly Invitae), Labcorp
Classification: Pathogenic. Last evaluated: 2023-10-04. Review status: criteria provided, single submitter. Criteria: Invitae Variant Classification Sherloc (09022015). Collection method: clinical testing. Allele origin: germline.
Comment: This sequence change creates a premature translational stop signal (p.Lys1680*) in the USH2A gene. It is expected to result in an absent or disrupted protein product. Loss-of-function variants in USH2A are known to be pathogenic (PMID: 10729113, 10909849, 20507924, 25649381). This variant is not present in population databases (gnomAD no frequency). This variant has not been reported in the literature in individuals affected with USH2A-related conditions. ClinVar contains an entry for this variant (Variation ID: 967291). Algorithms developed to predict the effect of sequence changes on RNA splicing suggest that this variant may disrupt the consensus splice site. For these reasons, this variant has been classified as Pathogenic.

Literature cited by the submitters: PubMed 10729113; PubMed 10909849; PubMed 20507924; PubMed 25649381.